The following is an entry in ClinVar:

ClinVar aggregate classification (germline): Uncertain significance (1 of 4 stars; one submission).

Submission:

Labcorp Genetics (formerly Invitae), Labcorp
Classification: Uncertain significance. Last evaluated: 2022-07-19. Review status: criteria provided, single submitter. Criteria: Invitae Variant Classification Sherloc (09022015). Collection method: clinical testing. Allele origin: germline.
Comment: This variant has not been reported in the literature in individuals affected with IARS2-related conditions. This variant is a gross deletion of the genomic region encompassing exon(s) 23 of the IARS2 gene, which includes the termination codon. This deletion extends beyond the assayed region for this gene and therefore may encompass additional genes. While this deletion is not anticipated to lead to nonsense mediated decay, it is expected to alter mRNA translation or result in a truncated protein product. Experimental studies and prediction algorithms are not available or were not evaluated, and the functional significance of this variant is currently unknown. In summary, the available evidence is currently insufficient to determine the role of this variant in disease. Therefore, it has been classified as a Variant of Uncertain Significance.

NC_000001.10:g.(?_220320815)_(220320977_?)del

Gene: IARS2 (isoleucyl-tRNA synthetase 2, mitochondrial; plus strand). Cytogenetic location: 1q41.
Variant type: Deletion.
Identifiers: ClinVar variation 1445936 (VCV001445936.7).